The following is an entry in ClinVar:

NM_000219.6(KCNE1):c.334C>G (p.His112Asp)

Gene: KCNE1 (potassium voltage-gated channel subfamily E regulatory subunit 1; minus strand). Cytogenetic location: 21q22.12.
Variant type: single nucleotide variant.
Coding change: c.334C>G on transcript NM_000219.6 (MANE Select); coding-DNA position 334, C replaced by G.
Protein change: p.His112Asp; replaces histidine 112 with aspartic acid.
Molecular consequence: missense variant.
Genome position (GRCh38, 1-based): chr21:34,449,301, G>C on the plus strand (C>G on the coding strand, the complement: KCNE1 is on the minus strand). VCF-style: chr21-34449301-G-C. GRCh37 (hg19) VCF-style: chr21-35821599-G-C.
Other names: c.334C>G, p.His112Asp (NM_001127668.4, NM_001127669.4, NM_001127670.4 and 4 more transcripts); short protein forms H112D.
Identifiers: ClinVar variation 3374670 (VCV003374670.2).

Conditions:
Long QT syndrome 5 (LQT5). Identifiers: Orphanet 101016, Orphanet 768, MedGen C1867904, MONDO:0013372, OMIM 613695.

Submission:

Roden Lab, Vanderbilt University Medical Center
No classification provided (evidence only). Condition: Long QT syndrome 5. Review status: no classification provided. Collection method: in vitro. Allele origin: not applicable. Functional consequence: Effect on ion channel function.
ClinVar note: "not provided" was previously submitted as the classification for the variant. However, the classification appeared to be based only on an observation of functional data so it was converted to no classification on 2025-07-30.